The following is an entry in ClinVar:

ClinVar aggregate classification (germline): Uncertain significance (1 of 4 stars; one submission).

Conditions:
Inborn genetic diseases. Identifiers: MedGen C0950123, MeSH D030342.

Submission:

Ambry Genetics
Classification: Uncertain significance for Inborn genetic diseases. Last evaluated: 2022-03-30. Review status: criteria provided, single submitter. Criteria: Ambry Variant Classification Scheme 2023. Collection method: clinical testing. Allele origin: germline.
Comment: The p.E2305K variant (also known as c.6913G>A), located in coding exon 47 of the LRRK2 gene, results from a G to A substitution at nucleotide position 6913. The glutamic acid at codon 2305 is replaced by lysine, an amino acid with similar properties. This amino acid position is conserved. In addition, the in silico prediction for this alteration is inconclusive. Since supporting evidence is limited at this time, the clinical significance of this alteration remains unclear.

NM_198578.4(LRRK2):c.6913G>A (p.Glu2305Lys)

Gene: LRRK2 (leucine rich repeat kinase 2; plus strand). Cytogenetic location: 12q12.
Variant type: single nucleotide variant.
Coding change: c.6913G>A on transcript NM_198578.4 (MANE Select); coding-DNA position 6913, G replaced by A.
Protein change: p.Glu2305Lys; replaces glutamic acid 2305 with lysine.
Molecular consequence: missense variant.
Genome position (GRCh38, 1-based): chr12:40,359,329, G>A. VCF-style: chr12-40359329-G-A. GRCh37 (hg19) VCF-style: chr12-40753131-G-A.
Other names: short protein forms E2305K.
Identifiers: ClinVar variation 1756138 (VCV001756138.2), dbSNP rs2500012169, ClinGen allele CA384411644.
Genomic context (GRCh38, chr12:40,359,329, plus strand): 5'-GCTGCTCCTTTGAAGATACTAAATATAGGAAATGTCAGTACTCCATTGATGTGTTTGAGT[G>A]AATCCACAAATTCAACGGAAAGAAATGTAATGTGGGGAGGATGTGGCACAAAGATTTTCT-3'
Protein context (NP_940980.4, residues 2295-2315): NVSTPLMCLS[Glu2305Lys]STNSTERNVM